The following is an entry in ClinVar:

ClinVar aggregate classification (germline): Benign (1 of 4 stars; one submission).

Conditions:
Posterior column ataxia-retinitis pigmentosa syndrome (RETSNS). Also called: RETINOPATHY-SENSORY NEUROPATHY SYNDROME. Identifiers: Orphanet 88628, MedGen C1836916, MONDO:0012177, OMIM 609033.

Allele frequency attached by ClinVar (database versions not stated): TOPMed 0.00461; gnomAD 0.00364 and 0.00394; 1000 Genomes Project 0.00459; 1000 Genomes Project 30x 0.00468.

Submission:

Illumina Laboratory Services, Illumina
Classification: Benign for Posterior column ataxia-retinitis pigmentosa syndrome. Last evaluated: 2018-01-12. Review status: criteria provided, single submitter. Criteria: ICSL Variant Classification Criteria 13 December 2019. Collection method: clinical testing. Allele origin: germline.
Comment: This variant was observed in the ICSL laboratory as part of a predisposition screen in an ostensibly healthy population. It had not been previously curated by ICSL or reported in the Human Gene Mutation Database (HGMD: prior to June 1st, 2018), and was therefore a candidate for classification through an automated scoring system. Utilizing variant allele frequency, disease prevalence and penetrance estimates, and inheritance mode, an automated score was calculated to assess if this variant is too frequent to cause the disease. Based on the score and internal cut-off values, a variant classified as benign is not then subjected to further curation. The score for this variant resulted in a classification of benign for this disease.

NM_014053.4(FLVCR1):c.*1317A>G

Gene: FLVCR1 (FLVCR choline and heme transporter 1; plus strand). Cytogenetic location: 1q32.3.
Variant type: single nucleotide variant.
Coding change: c.*1317A>G on transcript NM_014053.4 (MANE Select); 1317 bases downstream of the stop codon, A replaced by G.
Molecular consequence: 3 prime UTR variant.
Genome position (GRCh38, 1-based): chr1:212,896,607, A>G. VCF-style: chr1-212896607-A-G. GRCh37 (hg19) VCF-style: chr1-213069949-A-G.
Identifiers: ClinVar variation 295355 (VCV000295355.5), dbSNP rs145011972, ClinGen allele CA10608991.